The following is an entry in ClinVar:

NM_016604.4(KDM3B):c.518C>T (p.Ala173Val)

Gene: KDM3B (lysine demethylase 3B; plus strand). Cytogenetic location: 5q31.2.
Variant type: single nucleotide variant.
Coding change: c.518C>T on transcript NM_016604.4 (MANE Select); coding-DNA position 518, C replaced by T.
Protein change: p.Ala173Val; replaces alanine 173 with valine.
Molecular consequence: missense variant.
Genome position (GRCh38, 1-based): chr5:138,377,763, C>T. VCF-style: chr5-138377763-C-T. GRCh37 (hg19) VCF-style: chr5-137713452-C-T.
Other names: short protein forms A173V.
Identifiers: ClinVar variation 3372521 (VCV003372521.1).
Genomic context (GRCh38, chr5:138,377,763, plus strand): 5'-TCTTTTATCTTTACCAGATGGGAACAGATAGCCAAAACCAGATTCTTTTGGAACATGCTG[C>T]ACTGAGAGAAACAGTTAATGCTTTGATCAGTGACCAAAAGCTACAAGAGATATTCAGCCG-3'
Protein context (NP_057688.3, residues 163-183): SQNQILLEHA[Ala173Val]LRETVNALIS

ClinVar aggregate classification (germline): Uncertain significance (1 of 4 stars; one submission).

Submission:

GeneDx
Classification: Uncertain significance. Last evaluated: 2024-04-18. Review status: criteria provided, single submitter. Criteria: GeneDx Variant Classification Process June 2021. Collection method: clinical testing. Allele origin: germline. Affected: yes.
Comment: Not observed at significant frequency in large population cohorts (gnomAD); In silico analysis indicates that this missense variant does not alter protein structure/function; Has not been previously published as pathogenic or benign to our knowledge